The following is an entry in ClinVar:

ClinVar aggregate classification (germline): Pathogenic. Review status: criteria provided, multiple submitters, no conflicts (2 of 4 stars). 2 submissions from 2 submitters: Pathogenic (2). Last evaluated 2023-10-12.

Conditions:
Recessive dystrophic epidermolysis bullosa (RDEB). Also called: epidermolysis bullosa dystrophica, autosomal recessive; Recessive DEB (RDEB); DYSTROPHIC EPIDERMOLYSIS BULLOSA, AUTOSOMAL RECESSIVE; EPIDERMOLYSIS BULLOSA DYSTROPHICA, HALLOPEAU-SIEMENS TYPE; severe generalized recessive dystrophic epidermolysis bullosa; Hallopeau-Siemens Disease. Identifiers: Orphanet 79408, Orphanet 79409, MedGen C0079474, MONDO:0009179, OMIM 226600.

gnomAD v4.1: 5 of 1,613,848 alleles (0.00031%); highest among the groups gnomAD compares: Non-Finnish European, 0.00042%; no homozygotes.

Submissions (2):

Division of Genomic Medicine, Department of Advanced Medicine, Medical Research Institute, Kanazawa Medical University
Classification: Pathogenic for Recessive dystrophic epidermolysis bullosa. Last evaluated: 2023-10-12. Review status: criteria provided, single submitter. Criteria: ACMG Guidelines, 2015. Collection method: clinical testing. Allele origin: germline. Affected: yes. Observed: 1 variant allele.
Comment: This nonsense variant (PVS1) is absent from controls (PM2), and the patient’s phenotype is highly specific for a disease (PP4). This variant is judged to be pathogenic according to ACMG Guidelines, 2015.

Labcorp Genetics (formerly Invitae), Labcorp
Classification: Pathogenic. Last evaluated: 2023-01-17. Review status: criteria provided, single submitter. Criteria: Invitae Variant Classification Sherloc (09022015). Collection method: clinical testing. Allele origin: germline.
Comment: For these reasons, this variant has been classified as Pathogenic. Algorithms developed to predict the effect of sequence changes on RNA splicing suggest that this variant may create or strengthen a splice site. This premature translational stop signal has been observed in individual(s) with autosomal recessive dystrophic epidermolysis bullosa (PMID: 24947307). This variant is not present in population databases (gnomAD no frequency). This sequence change creates a premature translational stop signal (p.Gln265*) in the COL7A1 gene. It is expected to result in an absent or disrupted protein product. Loss-of-function variants in COL7A1 are known to be pathogenic (PMID: 16971478).

Literature cited by the submitters: PubMed 24947307 (cited by Labcorp Genetics (formerly Invitae), Labcorp); PubMed 16971478 (cited by Labcorp Genetics (formerly Invitae), Labcorp).

NM_000094.4(COL7A1):c.793C>T (p.Gln265Ter)

Gene: COL7A1 (collagen type VII alpha 1 chain; minus strand). Cytogenetic location: 3p21.31.
Variant type: single nucleotide variant.
Coding change: c.793C>T on transcript NM_000094.4 (MANE Select); coding-DNA position 793, C replaced by T.
Protein change: p.Gln265Ter; replaces glutamine 265 with a stop codon.
Molecular consequence: nonsense.
Genome position (GRCh38, 1-based): chr3:48,592,828, G>A on the plus strand (C>T on the coding strand, the complement: COL7A1 is on the minus strand). VCF-style: chr3-48592828-G-A. GRCh37 (hg19) VCF-style: chr3-48630261-G-A.
Other names: short protein forms Q265*.
Identifiers: ClinVar variation 2583124 (VCV002583124.5), dbSNP rs2531335997, ClinGen allele CA352741602.